The following is an entry in ClinVar:

NM_003579.4(RAD54L):c.980C>T (p.Pro327Leu)

Gene: RAD54L (RAD54 like; plus strand). Cytogenetic location: 1p34.1.
Variant type: single nucleotide variant.
Coding change: c.980C>T on transcript NM_003579.4 (MANE Select); coding-DNA position 980, C replaced by T.
Protein change: p.Pro327Leu; replaces proline 327 with leucine.
Molecular consequence: missense variant.
Genome position (GRCh38, 1-based): chr1:46,267,547, C>T. VCF-style: chr1-46267547-C-T. GRCh37 (hg19) VCF-style: chr1-46733219-C-T.
Other names: c.980C>T, p.Pro327Leu (NM_001142548.2); c.440C>T, p.Pro147Leu (NM_001370766.1); short protein forms P147L, P327L.
Identifiers: ClinVar variation 1768279 (VCV001768279.2), dbSNP rs2148295084, ClinGen allele CA340192456.

ClinVar aggregate classification (germline): Uncertain significance (1 of 4 stars; one submission).

Submission:

Ambry Genetics
Classification: Uncertain significance. Last evaluated: 2021-09-04. Review status: criteria provided, single submitter. Criteria: Ambry Variant Classification Scheme 2023. Collection method: clinical testing. Allele origin: germline.
Comment: The p.P327L variant (also known as c.980C>T), located in coding exon 9 of the RAD54L gene, results from a C to T substitution at nucleotide position 980. The proline at codon 327 is replaced by leucine, an amino acid with similar properties. This amino acid position is conserved. In addition, this alteration is predicted to be deleterious by in silico analysis. Since supporting evidence is limited at this time, the clinical significance of this alteration remains unclear.